The following is an entry in ClinVar:

NM_024334.3(TMEM43):c.1199A>G (p.Glu400Gly)

Gene: TMEM43 (transmembrane protein 43; plus strand). Cytogenetic location: 3p25.1.
Variant type: single nucleotide variant.
Coding change: c.1199A>G on transcript NM_024334.3 (MANE Select); coding-DNA position 1199, A replaced by G.
Protein change: p.Glu400Gly; replaces glutamic acid 400 with glycine.
Molecular consequence: missense variant.
Genome position (GRCh38, 1-based): chr3:14,141,791, A>G. VCF-style: chr3-14141791-A-G. GRCh37 (hg19) VCF-style: chr3-14183291-A-G.
Other names: c.1202A>G, p.Glu401Gly (NM_001407274.1); c.1196A>G, p.Glu399Gly (NM_001407275.1, NM_001407276.1); c.1193A>G, p.Glu398Gly (NM_001407277.1); c.1184A>G, p.Glu395Gly (NM_001407278.1); c.1124A>G, p.Glu375Gly (NM_001407279.1); c.1049A>G, p.Glu350Gly (NM_001407280.1); short protein forms E350G, E375G, E395G, E398G, E399G, E400G, E401G.
Identifiers: ClinVar variation 3386094 (VCV003386094.1).

ClinVar aggregate classification (germline): Uncertain significance (1 of 4 stars; one submission).

Conditions:
Arrhythmogenic right ventricular dysplasia 5. Also called: Arrhythmogenic Right Ventricular Dysplasia/Cardiomyopathy 5; ARRHYTHMOGENIC RIGHT VENTRICULAR DYSPLASIA, FAMILIAL, 5. Identifiers: MedGen C1858379, MONDO:0011459, OMIM 604400.

Submission:

All of Us Research Program, National Institutes of Health
Classification: Uncertain significance for Arrhythmogenic right ventricular dysplasia 5. Last evaluated: 2024-03-05. Review status: criteria provided, single submitter. Criteria: ACMG Guidelines, 2015. Collection method: clinical testing. Allele origin: germline. Inheritance: Autosomal dominant inheritance. Observed: 1 variant allele, 1 heterozygote.
Comment: This study involves interpretation of variants in research participants for the purpose of population health screening. Participant phenotype was not available at the time of variant classification. Additional details can be found in publication PMID: 35346344, PMCID: PMC8962531